The following is an entry in ClinVar:

NM_000256.3(MYBPC3):c.3732C>A (p.Cys1244Ter)

Gene: MYBPC3 (myosin binding protein C3; minus strand). Cytogenetic location: 11p11.2.
Variant type: single nucleotide variant.
Coding change: c.3732C>A on transcript NM_000256.3 (MANE Select); coding-DNA position 3732, C replaced by A.
Protein change: p.Cys1244Ter; replaces cysteine 1244 with a stop codon.
Molecular consequence: nonsense.
Genome position (GRCh38, 1-based): chr11:47,332,154, G>T on the plus strand (C>A on the coding strand, the complement: MYBPC3 is on the minus strand). VCF-style: chr11-47332154-G-T. GRCh37 (hg19) VCF-style: chr11-47353705-G-T.
Other names: p.C1244*:TGC>TGA; p.(Cys1244*); c.3732C>A, p.Cys1244Ter (LRG_386t1); short protein forms C1244*.
Identifiers: ClinVar variation 181019 (VCV000181019.18), dbSNP rs730880600, ClinGen allele CA014689.

ClinVar aggregate classification (germline): Pathogenic/Likely pathogenic. Review status: criteria provided, multiple submitters, no conflicts (2 of 4 stars). 5 submissions from 5 submitters: Pathogenic (3); Likely pathogenic (1). 1 of the submissions does not count toward it. Last evaluated 2023-01-13.

Conditions:
MYBPC3-related disorder. Also called: MYBPC3-related condition; MYBPC3-related disease; MYBPC3-related disorders.
Hypertrophic cardiomyopathy 4. Also called: Familial hypertrophic cardiomyopathy 4. Identifiers: MedGen C1861862, MONDO:0007268, OMIM 115197.
Hypertrophic cardiomyopathy. Also called: HYPERTROPHIC MYOCARDIOPATHY. Identifiers: Orphanet 217569, MedGen C0007194, MeSH D002312, MONDO:0005045, HP:0001639.

Submissions (5):

Center of Genomic medicine, Geneva, University Hospital of Geneva
Classification: Pathogenic for Hypertrophic cardiomyopathy 4. Last evaluated: 2023-01-13. Review status: criteria provided, single submitter. Criteria: ACMG Guidelines, 2015. Collection method: clinical testing. Allele origin: germline. Affected: yes. Observed: 1 variant allele.

GeneDx
Classification: Pathogenic. Last evaluated: 2022-08-02. Review status: criteria provided, single submitter. Criteria: GeneDx Variant Classification Process June 2021. Collection method: clinical testing. Allele origin: germline. Affected: yes.
Comment: Not observed at significant frequency in large population cohorts (gnomAD); Nonsense variant predicted to result in protein truncation or nonsense mediated decay in a gene for which loss-of-function is a known mechanism of disease; This variant is associated with the following publications: (PMID: 25525159, 20624503, 33673806, 20800588, 23140321)

Labcorp Genetics (formerly Invitae), Labcorp
Classification: Pathogenic for Hypertrophic cardiomyopathy. Last evaluated: 2019-01-26. Review status: criteria provided, single submitter. Criteria: Invitae Variant Classification Sherloc (09022015). Collection method: clinical testing. Allele origin: germline.
Comment: For these reasons, this variant has been classified as Pathogenic. This sequence change creates a premature translational stop signal (p.Cys1244*) in the MYBPC3 gene. It is expected to result in an absent or disrupted protein product. This variant is not present in population databases (ExAC no frequency). This variant has been observed in an individual affected with hypertrophic cardiomyopathy (PMID: 20624503). ClinVar contains an entry for this variant (Variation ID: 181019). Loss-of-function variants in MYBPC3 are known to be pathogenic (PMID: 19574547).

Blueprint Genetics
Classification: Likely pathogenic for MYBPC3-related disorders. Last evaluated: 2017-10-05. Review status: criteria provided, single submitter. Criteria: ACMG Guidelines, 2015. Collection method: clinical testing. Allele origin: germline. Affected: yes. Observed: 1 variant allele.

Zaffran Lab, Genetics of Cardiac Diseases Laboratory, Marseille Medical Genetics
Classification: Pathogenic for hypertrophic cardiomyopathy. Review status: no assertion criteria provided. Collection method: research. Allele origin: unknown. Affected: yes. Not counted in ClinVar's aggregate classification.

Literature cited by the submitters: PubMed 23140321 (cited by Center of Genomic medicine, Geneva, University Hospital of Geneva); PubMed 20624503 (cited by Labcorp Genetics (formerly Invitae), Labcorp); PubMed 19574547 (cited by Labcorp Genetics (formerly Invitae), Labcorp).